The following is an entry in ClinVar:

ClinVar aggregate classification (germline): Benign. Review status: criteria provided, multiple submitters, no conflicts (2 of 4 stars). 2 submissions from 2 submitters: Benign (2). Last evaluated 2020-09-29.

Allele frequency attached by ClinVar (database versions not stated): 1000 Genomes Project 30x 0.21127; 1000 Genomes Project 0.21186; gnomAD 0.21506 and 0.21711; ESP Exome Variant Server 0.21468; TOPMed 0.21472.
gnomAD v4.1: 356,046 of 1,603,622 alleles (22%); highest among the groups gnomAD compares: South Asian, 24%; 40,009 homozygotes.

Submissions (2):

GeneDx
Classification: Benign. Last evaluated: 2020-09-29. Review status: criteria provided, single submitter. Criteria: GeneDx Variant Classification Process June 2021. Collection method: clinical testing. Allele origin: germline. Affected: yes.
Comment: This variant is associated with the following publications: (PMID: 23129390)

Breakthrough Genomics
Classification: Benign. Review status: criteria provided, single submitter. Criteria: ACMG Guidelines, 2015. Collection method: not provided. Allele origin: germline. Inheritance: Unknown mechanism. Affected: yes.

NM_014520.4(MYBBP1A):c.22C>G (p.Gln8Glu)

Gene: MYBBP1A (MYB binding protein 1a; minus strand). Cytogenetic location: 17p13.2.
Variant type: single nucleotide variant.
Coding change: c.22C>G on transcript NM_014520.4 (MANE Select); coding-DNA position 22, C replaced by G.
Protein change: p.Gln8Glu; replaces glutamine 8 with glutamic acid.
Molecular consequence: missense variant.
Genome position (GRCh38, 1-based): chr17:4,555,303, G>C on the plus strand (C>G on the coding strand, the complement: MYBBP1A is on the minus strand). VCF-style: chr17-4555303-G-C. GRCh37 (hg19) VCF-style: chr17-4458598-G-C.
Other names: c.22C>G, p.Gln8Glu (NM_001105538.2); short protein forms Q8E.
Identifiers: ClinVar variation 1182089 (VCV001182089.3), dbSNP rs3809849, ClinGen allele CA8305771.